The following is an entry in ClinVar:

ClinVar aggregate classification (germline): Conflicting classifications of pathogenicity. Review status: criteria provided, conflicting classifications (1 of 4 stars). 3 submissions from 3 submitters: Likely pathogenic (2); Uncertain significance (1). Last evaluated 2025-12-23.

Conditions:
CEP250-related disorder. Also called: CEP250-related condition.

Allele frequency attached by ClinVar (database versions not stated): ExAC 0.00001; gnomAD exomes 0.00001; gnomAD 0.00002 and 0.00003; TOPMed 0.00002.
gnomAD v4.1: 11 of 1,602,818 alleles (0.00069%); highest among the groups gnomAD compares: African/African-American, 0.004%; no homozygotes.

Submissions (3):

Labcorp Genetics (formerly Invitae), Labcorp
Classification: Likely pathogenic. Last evaluated: 2025-12-23. Review status: criteria provided, single submitter. Criteria: Invitae Variant Classification Sherloc (09022015). Collection method: clinical testing. Allele origin: germline.
Comment: This sequence change affects a donor splice site in intron 17 of the CEP250 gene. It is expected to disrupt RNA splicing. Variants that disrupt the donor or acceptor splice site typically lead to a loss of protein function (PMID: 16199547), and loss-of-function variants in CEP250 are known to be pathogenic (PMID: 24780881, 29718797). This variant is present in population databases (rs762000140, gnomAD 0.007%). This variant has not been reported in the literature in individuals affected with CEP250-related conditions. ClinVar contains an entry for this variant (Variation ID: 1467394). Algorithms developed to predict the effect of sequence changes on RNA splicing suggest that this variant may disrupt the consensus splice site. In summary, the currently available evidence indicates that the variant is pathogenic, but additional data are needed to prove that conclusively. Therefore, this variant has been classified as Likely Pathogenic.

PreventionGenetics, part of Exact Sciences
Classification: Likely pathogenic for CEP250-related condition. Last evaluated: 2025-02-06. Review status: criteria provided, single submitter. Criteria: ACMG Guidelines, 2015. Collection method: clinical testing. Allele origin: germline.
Comment: The CEP250 c.2094+1G>A variant is predicted to disrupt the GT donor site and interfere with normal splicing. To our knowledge, this variant has not been reported in the literature. This variant is reported in 0.0063% of alleles in individuals of African descent in gnomAD. Variants that disrupt the consensus splice donor site in CEP250 are expected to be pathogenic. This variant is interpreted as likely pathogenic.

Blueprint Genetics
Classification: Uncertain significance. Last evaluated: 2022-09-05. Review status: criteria provided, single submitter. Criteria: ACMG Guidelines, 2015. Collection method: clinical testing. Allele origin: germline.

Literature cited by the submitters: PubMed 16199547 (cited by Labcorp Genetics (formerly Invitae), Labcorp); PubMed 24780881 (cited by Labcorp Genetics (formerly Invitae), Labcorp); PubMed 29718797 (cited by Labcorp Genetics (formerly Invitae), Labcorp).

NM_007186.6(CEP250):c.2094+1G>A

Genes: CEP250 (centrosomal protein 250; plus strand), CEP250-AS1 (CEP250 antisense RNA 1; minus strand). Cytogenetic location: 20q11.22.
Variant type: single nucleotide variant.
Coding change: c.2094+1G>A on transcript NM_007186.6 (MANE Select); the canonical splice donor site of the intron after coding-DNA position 2094, G replaced by A.
Molecular consequence: splice donor variant.
Genome position (GRCh38, 1-based): chr20:35,478,102, G>A. VCF-style: chr20-35478102-G-A. GRCh37 (hg19) VCF-style: chr20-34065927-G-A.
Other names: c.198+1G>A (NM_001318219.1); c.2094+1G>A (NM_007186.5).
Identifiers: ClinVar variation 1467394 (VCV001467394.10), dbSNP rs762000140, ClinGen allele CA9833092.